The following is an entry in ClinVar:

NM_014804.3(KIAA0753):c.1946C>G (p.Ser649Cys)

Gene: KIAA0753 (KIAA0753; minus strand). Cytogenetic location: 17p13.1.
Variant type: single nucleotide variant.
Coding change: c.1946C>G on transcript NM_014804.3 (MANE Select); coding-DNA position 1946, C replaced by G.
Protein change: p.Ser649Cys; replaces serine 649 with cysteine.
Molecular consequence: missense variant. On other transcripts: non-coding transcript variant (3).
Genome position (GRCh38, 1-based): chr17:6,606,936, G>C on the plus strand (C>G on the coding strand, the complement: KIAA0753 is on the minus strand). VCF-style: chr17-6606936-G-C. GRCh37 (hg19) VCF-style: chr17-6510256-G-C.
Other names: c.1049C>G, p.Ser350Cys (NM_001351225.2); short protein forms S350C, S649C.
Identifiers: ClinVar variation 2415887 (VCV002415887.6), dbSNP rs768711157, ClinGen allele CA397407601.

ClinVar aggregate classification (germline): Uncertain significance (1 of 4 stars; one submission).

gnomAD v4.1: 1 of 1,614,054 alleles (0.000062%); highest among the groups gnomAD compares: Admixed American, 0.0017%; no homozygotes.

Submission:

Labcorp Genetics (formerly Invitae), Labcorp
Classification: Uncertain significance. Last evaluated: 2026-01-19. Review status: criteria provided, single submitter. Criteria: Invitae Variant Classification Sherloc (09022015). Collection method: clinical testing. Allele origin: germline.
Comment: This sequence change replaces serine, which is neutral and polar, with cysteine, which is neutral and slightly polar, at codon 649 of the KIAA0753 protein (p.Ser649Cys). This variant is present in population databases (no rsID available, gnomAD 0.003%). This variant has not been reported in the literature in individuals affected with KIAA0753-related conditions. ClinVar contains an entry for this variant (Variation ID: 2415887). An algorithm developed to predict the effect of missense changes on protein structure and function (PolyPhen-2) suggests that this variant is likely to be disruptive. In summary, the available evidence is currently insufficient to determine the role of this variant in disease. Therefore, it has been classified as a Variant of Uncertain Significance.